The following is an entry in ClinVar:

NM_001134831.2(AHI1):c.3290A>T (p.Gln1097Leu)

Gene: AHI1 (Abelson helper integration site 1; minus strand). Cytogenetic location: 6q23.3.
Variant type: single nucleotide variant.
Coding change: c.3290A>T on transcript NM_001134831.2 (MANE Select); coding-DNA position 3290, A replaced by T.
Protein change: p.Gln1097Leu; replaces glutamine 1097 with leucine.
Molecular consequence: missense variant.
Genome position (GRCh38, 1-based): chr6:135,323,200, T>A on the plus strand (A>T on the coding strand, the complement: AHI1 is on the minus strand). VCF-style: chr6-135323200-T-A. GRCh37 (hg19) VCF-style: chr6-135644338-T-A.
Other names: c.3290A>T, p.Gln1097Leu (NM_001134830.2, NM_001350503.2, NM_001350504.2 and 1 more transcripts); short protein forms Q1097L.
Identifiers: ClinVar variation 3364618 (VCV003364618.1).

ClinVar aggregate classification (germline): Uncertain significance (1 of 4 stars; one submission).

Submission:

GeneDx
Classification: Uncertain significance. Last evaluated: 2023-11-21. Review status: criteria provided, single submitter. Criteria: GeneDx Variant Classification Process June 2021. Collection method: clinical testing. Allele origin: germline. Affected: yes.
Comment: Not observed at significant frequency in large population cohorts (gnomAD); In silico analysis supports that this missense variant has a deleterious effect on protein structure/function; Has not been previously published as pathogenic or benign to our knowledge; This variant is associated with the following publications: (PMID: 15467982)